The following is an entry in ClinVar:

NM_006766.5(KAT6A):c.4612G>A (p.Val1538Ile)

Gene: KAT6A (lysine acetyltransferase 6A; minus strand). Cytogenetic location: 8p11.21.
Variant type: single nucleotide variant.
Coding change: c.4612G>A on transcript NM_006766.5 (MANE Select); coding-DNA position 4612, G replaced by A.
Protein change: p.Val1538Ile; replaces valine 1538 with isoleucine.
Molecular consequence: missense variant.
Genome position (GRCh38, 1-based): chr8:41,933,608, C>T on the plus strand (G>A on the coding strand, the complement: KAT6A is on the minus strand). VCF-style: chr8-41933608-C-T. GRCh37 (hg19) VCF-style: chr8-41791126-C-T.
Other names: c.4612G>A (NM_006766.3); short protein forms V1538I.
Identifiers: ClinVar variation 1962795 (VCV001962795.6), dbSNP rs765950779, ClinGen allele CA4729448.

ClinVar aggregate classification (germline): Conflicting classifications of pathogenicity. Review status: criteria provided, conflicting classifications (1 of 4 stars). 2 submissions from 2 submitters: Uncertain significance (1); Likely benign (1). Last evaluated 2025-08-09.

Conditions:
Inborn genetic diseases. Identifiers: MedGen C0950123, MeSH D030342.

Allele frequency attached by ClinVar (database versions not stated): gnomAD 0.00001; gnomAD exomes 0.00001; ExAC 0.00002.
gnomAD v4.1: 11 of 1,614,010 alleles (0.00068%); highest among the groups gnomAD compares: Middle Eastern, 0.016%; no homozygotes.

Submissions (2):

Ambry Genetics
Classification: Likely benign for Inborn genetic diseases. Last evaluated: 2025-08-09. Review status: criteria provided, single submitter. Criteria: Ambry Variant Classification Scheme 2023. Collection method: clinical testing. Allele origin: germline.

Labcorp Genetics (formerly Invitae), Labcorp
Classification: Uncertain significance. Last evaluated: 2023-12-09. Review status: criteria provided, single submitter. Criteria: Invitae Variant Classification Sherloc (09022015). Collection method: clinical testing. Allele origin: germline.
Comment: This sequence change replaces valine, which is neutral and non-polar, with isoleucine, which is neutral and non-polar, at codon 1538 of the KAT6A protein (p.Val1538Ile). This variant is present in population databases (rs765950779, gnomAD 0.0009%). This variant has not been reported in the literature in individuals affected with KAT6A-related conditions. ClinVar contains an entry for this variant (Variation ID: 1962795). Experimental studies and prediction algorithms are not available or were not evaluated, and the functional significance of this variant is currently unknown. In summary, the available evidence is currently insufficient to determine the role of this variant in disease. Therefore, it has been classified as a Variant of Uncertain Significance.